The following is an entry in ClinVar:

ClinVar aggregate classification (germline): Uncertain significance (1 of 4 stars; one submission).

Conditions:
Granulomatous disease, chronic, X-linked. Also called: CYTOCHROME b-NEGATIVE GRANULOMATOUS DISEASE, CHRONIC, X-LINKED; GRANULOMATOUS DISEASE, CHRONIC, X-LINKED, SOMATIC MOSAIC. Identifiers: Orphanet 379, MedGen C1844376, MONDO:0010600, OMIM 306400.

Allele frequency attached by ClinVar (database versions not stated): gnomAD 0.00001.

Submission:

Labcorp Genetics (formerly Invitae), Labcorp
Classification: Uncertain significance for Granulomatous disease, chronic, X-linked. Last evaluated: 2023-07-24. Review status: criteria provided, single submitter. Criteria: Invitae Variant Classification Sherloc (09022015). Collection method: clinical testing. Allele origin: germline.
Comment: This sequence change replaces arginine, which is basic and polar, with tryptophan, which is neutral and slightly polar, at codon 513 of the CYBB protein (p.Arg513Trp). This variant is not present in population databases (gnomAD no frequency). This variant has not been reported in the literature in individuals affected with CYBB-related conditions. Advanced modeling of protein sequence and biophysical properties (such as structural, functional, and spatial information, amino acid conservation, physicochemical variation, residue mobility, and thermodynamic stability) performed at Invitae indicates that this missense variant is expected to disrupt CYBB protein function. In summary, the available evidence is currently insufficient to determine the role of this variant in disease. Therefore, it has been classified as a Variant of Uncertain Significance.

NM_000397.4(CYBB):c.1537C>T (p.Arg513Trp)

Gene: CYBB (cytochrome b-245 beta chain; plus strand). Cytogenetic location: Xp11.4.
Variant type: single nucleotide variant.
Coding change: c.1537C>T on transcript NM_000397.4 (MANE Select); coding-DNA position 1537, C replaced by T.
Protein change: p.Arg513Trp; replaces arginine 513 with tryptophan.
Molecular consequence: missense variant.
Genome position (GRCh38, 1-based): chrX:37,809,642, C>T. VCF-style: chrX-37809642-C-T. GRCh37 (hg19) VCF-style: chrX-37668895-C-T.
Other names: short protein forms R513W.
Identifiers: ClinVar variation 3019925 (VCV003019925.3), dbSNP rs1804084723, ClinGen allele CA412978504.
Genomic context (GRCh38, chrX:37,809,642, plus strand): 5'-GTGCACCATGATGAGGAGAAAGATGTGATCACAGGCCTGAAACAAAAGACTTTGTATGGA[C>T]GGCCCAACTGGGATAATGAATTCAAGACAATTGCAAGTCAACACCCTAAGTAAGGAGTCT-3'
Protein context (NP_000388.2, residues 503-523): TGLKQKTLYG[Arg513Trp]PNWDNEFKTI